The following is an entry in ClinVar:

NM_006432.5(NPC2):c.437A>G (p.Gln146Arg)

Gene: NPC2 (NPC intracellular cholesterol transporter 2; minus strand). Cytogenetic location: 14q24.3.
Variant type: single nucleotide variant.
Coding change: c.437A>G on transcript NM_006432.5 (MANE Select); coding-DNA position 437, A replaced by G.
Protein change: p.Gln146Arg; replaces glutamine 146 with arginine.
Molecular consequence: missense variant. On other transcripts: intron variant (1).
Genome position (GRCh38, 1-based): chr14:74,480,706, T>C on the plus strand (A>G on the coding strand, the complement: NPC2 is on the minus strand). VCF-style: chr14-74480706-T-C. GRCh37 (hg19) VCF-style: chr14-74947409-T-C.
Other names: c.437A>G, p.Gln146Arg (NM_001363688.1); c.364-418A>G (NM_001375440.1); short protein forms Q146R.
Identifiers: ClinVar variation 1523959 (VCV001523959.8), dbSNP rs2139664443, ClinGen allele CA390531555.

ClinVar aggregate classification (germline): Uncertain significance (1 of 4 stars; one submission).

Conditions:
Niemann-Pick disease, type C2 (NPC2). Identifiers: Orphanet 646, MedGen C1843366, MONDO:0011873, OMIM 607625.

Submission:

Labcorp Genetics (formerly Invitae), Labcorp
Classification: Uncertain significance for Niemann-Pick disease, type C2. Last evaluated: 2021-04-08. Review status: criteria provided, single submitter. Criteria: Invitae Variant Classification Sherloc (09022015). Collection method: clinical testing. Allele origin: germline.
Comment: In summary, the available evidence is currently insufficient to determine the role of this variant in disease. Therefore, it has been classified as a Variant of Uncertain Significance. Algorithms developed to predict the effect of missense changes on protein structure and function are either unavailable or do not agree on the potential impact of this missense change (SIFT: "Tolerated"; PolyPhen-2: "Possibly Damaging"; Align-GVGD: "Class C0"). This variant has not been reported in the literature in individuals with NPC2-related conditions. This variant is not present in population databases (ExAC no frequency). This sequence change replaces glutamine with arginine at codon 146 of the NPC2 protein (p.Gln146Arg). The glutamine residue is moderately conserved and there is a small physicochemical difference between glutamine and arginine.